The following is an entry in ClinVar:

NM_006734.4(HIVEP2):c.2090_2091delinsTT (p.Arg697Leu)

Gene: HIVEP2 (HIVEP zinc finger 2; minus strand). Cytogenetic location: 6q24.2.
Variant type: Indel.
Coding change: c.2090_2091delinsTT on transcript NM_006734.4 (MANE Select); coding-DNA positions 2090 to 2091, GC replaced by TT.
Protein change: p.Arg697Leu; replaces arginine 697 with leucine.
Molecular consequence: missense variant.
Genome position (GRCh38, 1-based): chr6:142,772,648-142,772,649, GC replaced by AA on the plus strand (GC replaced by TT on the coding strand, the reverse complement: HIVEP2 is on the minus strand). VCF-style: chr6-142772648-GC-AA. GRCh37 (hg19) VCF-style: chr6-143093785-GC-AA.
Other names: c.2090_2091delinsTT, p.Arg697Leu (NM_001438451.1, NM_001438449.1, NM_001438450.1); short protein forms R697L.
Identifiers: ClinVar variation 5017819 (VCV005017819.1).

ClinVar aggregate classification (germline): Uncertain significance (1 of 4 stars; one submission).

Submission:

GeneDx
Classification: Uncertain significance. Last evaluated: 2026-03-29. Review status: criteria provided, single submitter. Criteria: GeneDx Variant Classification Process June 2021. Collection method: clinical testing. Allele origin: germline.
Comment: Not observed at significant frequency in large population cohorts (gnomAD); In silico analysis supports a deleterious effect on protein structure/function; Has not been previously published as pathogenic or benign to our knowledge